The following is an entry in ClinVar:

NM_000261.2(MYOC):c.365G>C (p.Gly122Ala)

Gene: MYOC (myocilin; minus strand). Cytogenetic location: 1q24.3.
Variant type: single nucleotide variant.
Coding change: c.365G>C on transcript NM_000261.2 (MANE Select); coding-DNA position 365, G replaced by C.
Protein change: p.Gly122Ala; replaces glycine 122 with alanine.
Molecular consequence: missense variant.
Genome position (GRCh38, 1-based): chr1:171,652,247, C>G on the plus strand (G>C on the coding strand, the complement: MYOC is on the minus strand). VCF-style: chr1-171652247-C-G. GRCh37 (hg19) VCF-style: chr1-171621387-C-G.
Other names: NM_000261.2:c.365G>C; short protein forms G122A.
Identifiers: ClinVar variation 2498109 (VCV002498109.2), dbSNP rs1395679980, ClinGen allele CA343718550.

ClinVar aggregate classification (germline): Uncertain significance (3 of 4 stars; one submission).

Conditions:
Open-angle glaucoma. Identifiers: MedGen C0017612, MONDO:0005338, HP:0012108.

Submission:

ClinGen Glaucoma Variant Curation Expert Panel
Classification: Uncertain significance for Open-angle glaucoma. Last evaluated: 2025-10-08. Review status: reviewed by expert panel. Criteria: ClinGen Glaucoma ACMG Specifications V2.0.0 Approved. Collection method: curation. Allele origin: germline. Inheritance: Autosomal dominant inheritance.
Comment: The c.365G>C variant in MYOC is a missense variant predicted to cause substitution of Glycine by Alanine at amino acid 122 (p.Gly122Ala). This variant was not found in any genetic ancestry group of gnomAD (v4.1.0), meeting the ≤ 0.0001 threshold set for PM2_Supporting in a genetic ancestry group of at least 10,000 alleles. The REVEL score = 0.064, which was within the 0.017-0.183 range for BP4_Moderate, suggesting that the variant does not impact MYOC function. There was no functional evidence predicting a damaging or benign impact of this variant on MYOC function. Only 1 proband with JOAG or PCG had been reported (PMID: 37530275), not meeting the ≥ 2 probands threshold required to meet PS4_Supporting. In summary, this variant met the criteria to receive a score of -1 and to be classified as a variant of uncertain significance (uncertain significance classification range -1 to 5, adapted from PMID: 32720330) for juvenile open angle glaucoma based on the ACMG/AMP criteria met, as specified by the ClinGen Glaucoma VCEP (v2.0.0, 5 Dec 2024): BP4_Moderate, PM2_Supporting.